The following is an entry in ClinVar:

ClinVar aggregate classification (germline): Uncertain significance (1 of 4 stars; one submission).

Conditions:
Hereditary cancer-predisposing syndrome. Also called: Hereditary neoplastic syndrome; Hereditary Cancer Syndrome; Neoplastic Syndromes, Hereditary; Tumor predisposition. Identifiers: Orphanet 140162, MedGen C0027672, MeSH D009386, MONDO:0015356.

Submission:

Ambry Genetics
Classification: Uncertain significance for Hereditary cancer-predisposing syndrome. Last evaluated: 2023-04-18. Review status: criteria provided, single submitter. Criteria: Ambry Variant Classification Scheme 2023. Collection method: clinical testing. Allele origin: germline.
Comment: The p.V2438L variant (also known as c.7312G>T), located in coding exon 15 of the APC gene, results from a G to T substitution at nucleotide position 7312. The valine at codon 2438 is replaced by leucine, an amino acid with highly similar properties. This amino acid position is conserved. In addition, in silico predictors for this gene do not accurately predict pathogenicity. Since supporting evidence is limited at this time, the clinical significance of this alteration remains unclear.

NM_000038.6(APC):c.7312G>T (p.Val2438Leu)

Gene: APC (APC regulator of Wnt signaling pathway; plus strand). Cytogenetic location: 5q22.2.
Variant type: single nucleotide variant.
Coding change: c.7312G>T on transcript NM_000038.6 (MANE Select); coding-DNA position 7312, G replaced by T.
Protein change: p.Val2438Leu; replaces valine 2438 with leucine.
Molecular consequence: missense variant. On other transcripts: non-coding transcript variant (2).
Genome position (GRCh38, 1-based): chr5:112,842,906, G>T. VCF-style: chr5-112842906-G-T. GRCh37 (hg19) VCF-style: chr5-112178603-G-T.
Other names: c.7312G>T, p.Val2438Leu (NM_001127510.3, NM_001354895.2, NM_001407450.1); c.7258G>T, p.Val2420Leu (NM_001127511.3); c.7366G>T, p.Val2456Leu (NM_001354896.2, NM_001407447.1, NM_001407448.1 and 1 more transcripts); c.7342G>T, p.Val2448Leu (NM_001354897.2); c.7237G>T, p.Val2413Leu (NM_001354898.2); c.7228G>T, p.Val2410Leu (NM_001354899.2); c.7189G>T, p.Val2397Leu (NM_001354900.2); c.7135G>T, p.Val2379Leu (NM_001354901.2, NM_001407453.1); and 11 more; short protein forms V2155L, V2347L, V2428L, V2431L, V2438L, V2054L, V2379L, V2397L.
Identifiers: ClinVar variation 2566986 (VCV002566986.2), dbSNP rs1766445332, ClinGen allele CA16037255.